The following is an entry in ClinVar:

ClinVar aggregate classification (germline): Uncertain significance (1 of 4 stars; one submission).

Conditions:
Carney complex, type 1 (CNC1). Also called: CARNEY MYXOMA-ENDOCRINE COMPLEX; CARNEY COMPLEX, TYPE I. Identifiers: Orphanet 1359, MedGen C2607929, MONDO:0008057, OMIM 160980.

Submission:

3billion
Classification: Uncertain significance for Carney complex, type 1. Last evaluated: 2025-12-30. Review status: criteria provided, single submitter. Criteria: ACMG Guidelines, 2015. Collection method: clinical testing. Allele origin: germline. Affected: yes.
Comment: The variant is not observed in the gnomAD v4.1.0 dataset. Predicted Consequence/Location: Intron variant In silico tools predict the variant to alter splicing and produce an abnormal transcript [SpliceAI: 0.95 (>=0.2, moderate evidence for spliceogenicity)]. Therefore, this variant is classified as VUS according to the recommendation of ACMG/AMP guideline.

NM_002734.5(PRKAR1A):c.892-11_892dup

Gene: PRKAR1A (protein kinase cAMP-dependent type I regulatory subunit alpha; plus strand). Cytogenetic location: 17q24.2.
Variant type: Duplication.
Coding change: c.892-11_892dup on transcript NM_002734.5 (MANE Select); 11 bases into the intron before coding-DNA position 892 through coding-DNA position 892, 12 bases duplicated (TTTTATTATAGG).
Molecular consequence: splice acceptor variant.
Genome position (GRCh38, 1-based): chr17:68,529,909-68,529,920, TTTTATTATAGG duplicated. VCF-style (leftmost placement, unchanged base first): chr17-68529908-A-ATTTTATTATAGG. GRCh37 (hg19) VCF-style: chr17-66526049-A-ATTTTATTATAGG.
Other names: c.892-11_892dup (NM_001278433.2, NM_001369389.1, NM_212471.3 and 4 more transcripts).
Identifiers: ClinVar variation 4855326 (VCV004855326.1).